The following is an entry in ClinVar:

ClinVar aggregate classification (germline): Uncertain significance (1 of 4 stars; one submission).

Allele frequency attached by ClinVar (database versions not stated): ExAC 0.00002; TOPMed 0.00002; gnomAD 0.00003; gnomAD exomes 0.00003.
gnomAD v4.1: 44 of 1,614,098 alleles (0.0027%); highest among the groups gnomAD compares: Non-Finnish European, 0.0036%; no homozygotes.

Submission:

Labcorp Genetics (formerly Invitae), Labcorp
Classification: Uncertain significance. Last evaluated: 2022-02-18. Review status: criteria provided, single submitter. Criteria: Invitae Variant Classification Sherloc (09022015). Collection method: clinical testing. Allele origin: germline.
Comment: This sequence change replaces proline, which is neutral and non-polar, with leucine, which is neutral and non-polar, at codon 1697 of the MCM3AP protein (p.Pro1697Leu). This variant is present in population databases (rs772187537, gnomAD 0.003%). This variant has not been reported in the literature in individuals affected with MCM3AP-related conditions. Algorithms developed to predict the effect of missense changes on protein structure and function are either unavailable or do not agree on the potential impact of this missense change (SIFT: "Tolerated"; PolyPhen-2: "Possibly Damaging"; Align-GVGD: "Class C0"). In summary, the available evidence is currently insufficient to determine the role of this variant in disease. Therefore, it has been classified as a Variant of Uncertain Significance.

NM_003906.5(MCM3AP):c.5090C>T (p.Pro1697Leu)

Genes: MCM3AP (minichromosome maintenance complex component 3 associated protein; minus strand), MCM3AP-AS1 (MCM3AP antisense RNA 1; plus strand). Cytogenetic location: 21q22.3.
Variant type: single nucleotide variant.
Coding change: c.5090C>T on transcript NM_003906.5 (MANE Select); coding-DNA position 5090, C replaced by T.
Protein change: p.Pro1697Leu; replaces proline 1697 with leucine.
Molecular consequence: missense variant.
Genome position (GRCh38, 1-based): chr21:46,243,671, G>A on the plus strand (C>T on the coding strand, the complement: MCM3AP is on the minus strand). VCF-style: chr21-46243671-G-A. GRCh37 (hg19) VCF-style: chr21-47663585-G-A.
Other names: short protein forms P1697L.
Identifiers: ClinVar variation 1934074 (VCV001934074.2), dbSNP rs772187537, ClinGen allele CA10075948.